The following is an entry in ClinVar:

ClinVar aggregate classification (germline): Uncertain significance (1 of 4 stars; one submission).

Conditions:
Adenylosuccinate lyase deficiency (ADSLD). Also called: ADSL DEFICIENCY. Identifiers: Orphanet 46, MedGen C0268126, MONDO:0007068, OMIM 103050.

Submission:

Labcorp Genetics (formerly Invitae), Labcorp
Classification: Uncertain significance for Adenylosuccinate lyase deficiency. Last evaluated: 2026-01-28. Review status: criteria provided, single submitter. Criteria: Invitae Variant Classification Sherloc (09022015). Collection method: clinical testing. Allele origin: germline.
Comment: This sequence change replaces glutamic acid, which is acidic and polar, with alanine, which is neutral and non-polar, at codon 60 of the ADSL protein (p.Glu60Ala). This variant is not present in population databases (gnomAD no frequency). This variant has not been reported in the literature in individuals affected with ADSL-related conditions. Invitae Evidence Modeling of protein sequence and biophysical properties (such as structural, functional, and spatial information, amino acid conservation, physicochemical variation, residue mobility, and thermodynamic stability) indicates that this missense variant is not expected to disrupt ADSL protein function with a negative predictive value of 80%. In summary, the available evidence is currently insufficient to determine the role of this variant in disease. Therefore, it has been classified as a Variant of Uncertain Significance.

NM_000026.4(ADSL):c.179A>C (p.Glu60Ala)

Gene: ADSL (adenylosuccinate lyase; plus strand). Cytogenetic location: 22q13.1.
Variant type: single nucleotide variant.
Coding change: c.179A>C on transcript NM_000026.4 (MANE Select); coding-DNA position 179, A replaced by C.
Protein change: p.Glu60Ala; replaces glutamic acid 60 with alanine.
Molecular consequence: missense variant. On other transcripts: 5 prime UTR variant (1), non-coding transcript variant (1).
Genome position (GRCh38, 1-based): chr22:40,349,857, A>C. VCF-style: chr22-40349857-A-C. GRCh37 (hg19) VCF-style: chr22-40745861-A-C.
Other names: c.179A>C, p.Glu60Ala (NM_001123378.3, NM_001363840.3, NM_001410812.1 and 2 more transcripts); c.-14A>C (NM_001317923.2); short protein forms E60A.
Identifiers: ClinVar variation 4799666 (VCV004799666.1).